The following is an entry in ClinVar:

NM_005321.3(H1-4):c.431C>T (p.Ala144Val)

Gene: H1-4 (H1.4 linker histone, cluster member; plus strand). Cytogenetic location: 6p22.2.
Variant type: single nucleotide variant.
Coding change: c.431C>T on transcript NM_005321.3 (MANE Select); coding-DNA position 431, C replaced by T.
Protein change: p.Ala144Val; replaces alanine 144 with valine.
Molecular consequence: missense variant.
Genome position (GRCh38, 1-based): chr6:26,156,821, C>T. VCF-style: chr6-26156821-C-T. GRCh37 (hg19) VCF-style: chr6-26157049-C-T.
Other names: short protein forms A144V.
Identifiers: ClinVar variation 2656305 (VCV002656305.24), dbSNP rs201297264, ClinGen allele CA3668120.

ClinVar aggregate classification (germline): Likely benign (1 of 4 stars; one submission).

Allele frequency attached by ClinVar (database versions not stated): ESP Exome Variant Server 0.00008; 1000 Genomes Project 30x 0.00016; 1000 Genomes Project 0.00020; gnomAD 0.00027; TOPMed 0.00054.
gnomAD v4.1: 674 of 1,606,630 alleles (0.042%); highest among the groups gnomAD compares: Admixed American, 0.28%; no homozygotes.

Submission:

CeGaT Center for Human Genetics Tuebingen
Classification: Likely benign. Last evaluated: 2026-09-01. Review status: criteria provided, single submitter. Criteria: CeGaT Center For Human Genetics Tuebingen Variant Classification Criteria Version 2. Collection method: clinical testing. Allele origin: germline. Affected: yes. Observed: 3 variant alleles.
Comment: H1-4: BP4, BS1